The following is an entry in ClinVar:

NM_000085.5(CLCNKB):c.987_992dup (p.Ala331_Thr332insLeuAla)

Genes: CLCNKB (chloride voltage-gated channel Kb; plus strand), LOC106501713 (CLCNKB recombination region; plus strand). Cytogenetic location: 1p36.13.
Variant type: Duplication.
Coding change: c.987_992dup on transcript NM_000085.5 (MANE Select); coding-DNA positions 987 to 992, 6 bases duplicated (TCTGGC; older notation c.987_992dupTCTGGC).
Protein change: p.Ala331_Thr332insLeuAla.
Molecular consequence: inframe insertion.
Genome position (GRCh38, 1-based): chr1:16,050,534-16,050,539, TCTGGC duplicated; duplicating any 6 consecutive bases within chr1:16,050,532-16,050,539 gives the same sequence; the c. name uses the placement nearest the transcript's 3' end. VCF-style (leftmost placement, unchanged base first): chr1-16050531-C-CGCTCTG. GRCh37 (hg19) VCF-style: chr1-16377026-C-CGCTCTG.
Other names: c.480_485dup, p.Ala162_Thr163insLeuAla (NM_001165945.2).
Identifiers: ClinVar variation 2130194 (VCV002130194.4), dbSNP rs2524385843, ClinGen allele CA2580060593.

ClinVar aggregate classification (germline): Uncertain significance (1 of 4 stars; one submission).

Submission:

Labcorp Genetics (formerly Invitae), Labcorp
Classification: Uncertain significance. Last evaluated: 2022-06-27. Review status: criteria provided, single submitter. Criteria: Invitae Variant Classification Sherloc (09022015). Collection method: clinical testing. Allele origin: germline.
Comment: In summary, the available evidence is currently insufficient to determine the role of this variant in disease. Therefore, it has been classified as a Variant of Uncertain Significance. Experimental studies and prediction algorithms are not available or were not evaluated, and the functional significance of this variant is currently unknown. This variant has not been reported in the literature in individuals affected with CLCNKB-related conditions. This variant is not present in population databases (gnomAD no frequency). This variant, c.987_992dup, results in the insertion of 2 amino acid(s) of the CLCNKB protein (p.Leu330_Ala331dup), but otherwise preserves the integrity of the reading frame.